The following is an entry in ClinVar:

ClinVar aggregate classification (germline): Uncertain significance. Review status: criteria provided, multiple submitters, no conflicts (2 of 4 stars). 2 submissions from 2 submitters: Uncertain significance (2). Last evaluated 2024-03-06.

Conditions:
Hereditary cancer-predisposing syndrome. Also called: Tumor predisposition; Hereditary neoplastic syndrome; Neoplastic Syndromes, Hereditary; Hereditary Cancer Syndrome. Identifiers: Orphanet 140162, MedGen C0027672, MeSH D009386, MONDO:0015356.
Ataxia-telangiectasia syndrome (AT). Also called: Ataxia-telangiectasia, complementation group D; Cerebello-oculocutaneous telangiectasia; Immunodeficiency with ataxia telangiectasia; LOUIS-BAR SYNDROME; Ataxia-telangiectasia; AT, COMPLEMENTATION GROUP C. Identifiers: Orphanet 100, MedGen C0004135, MONDO:0008840, OMIM 208900.

Allele frequency attached by ClinVar (database versions not stated): gnomAD exomes below 0.00001; ExAC 0.00001.
gnomAD v4.1: 1 of 1,613,304 alleles (0.000062%); highest among the groups gnomAD compares: South Asian, 0.0011%; no homozygotes.

Submissions (2):

Color Diagnostics, LLC DBA Color Health
Classification: Uncertain significance for Hereditary cancer-predisposing syndrome. Last evaluated: 2024-03-06. Review status: criteria provided, single submitter. Criteria: ACMG Guidelines, 2015. Collection method: clinical testing. Allele origin: germline.
Comment: This missense variant replaces threonine with alanine at codon 1200 of the ATM protein. Computational prediction suggests that this variant may not impact protein structure and function (internally defined REVEL score threshold <= 0.5, PMID: 27666373). To our knowledge, functional studies have not been reported for this variant. This variant has not been reported in individuals affected with hereditary cancer in the literature. This variant has been identified in 1/250850 chromosomes in the general population by the Genome Aggregation Database (gnomAD). The available evidence is insufficient to determine the role of this variant in disease conclusively. Therefore, this variant is classified as a Variant of Uncertain Significance.

Labcorp Genetics (formerly Invitae), Labcorp
Classification: Uncertain significance for Ataxia-telangiectasia syndrome. Last evaluated: 2021-01-12. Review status: criteria provided, single submitter. Criteria: Invitae Variant Classification Sherloc (09022015). Collection method: clinical testing. Allele origin: germline.
Comment: In summary, the available evidence is currently insufficient to determine the role of this variant in disease. Therefore, it has been classified as a Variant of Uncertain Significance. Advanced modeling of protein sequence and biophysical properties (such as structural, functional, and spatial information, amino acid conservation, physicochemical variation, residue mobility, and thermodynamic stability) performed at Invitae indicates that this missense variant is not expected to disrupt ATM protein function. This sequence change replaces threonine with alanine at codon 1200 of the ATM protein (p.Thr1200Ala). The threonine residue is weakly conserved and there is a small physicochemical difference between threonine and alanine. This variant is present in population databases (rs772741084, ExAC 0.006%). This variant has not been reported in the literature in individuals with ATM-related conditions. ClinVar contains an entry for this variant (Variation ID: 927963).

NM_000051.4(ATM):c.3598A>G (p.Thr1200Ala)

Gene: ATM (ATM serine/threonine kinase; plus strand). Cytogenetic location: 11q22.3.
Variant type: single nucleotide variant.
Coding change: c.3598A>G on transcript NM_000051.4 (MANE Select); coding-DNA position 3598, A replaced by G.
Protein change: p.Thr1200Ala; replaces threonine 1200 with alanine.
Molecular consequence: missense variant.
Genome position (GRCh38, 1-based): chr11:108,282,731, A>G. VCF-style: chr11-108282731-A-G. GRCh37 (hg19) VCF-style: chr11-108153458-A-G.
Other names: c.3598A>G, p.Thr1200Ala (NM_001351834.2); short protein forms T1200A.
Identifiers: ClinVar variation 927963 (VCV000927963.12), dbSNP rs772741084, ClinGen allele CA6265324.